The following is an entry in ClinVar:

ClinVar aggregate classification (germline): Uncertain significance (1 of 4 stars; one submission).

Allele frequency attached by ClinVar (database versions not stated): gnomAD 0.00001; TOPMed 0.00001; ESP Exome Variant Server 0.00009.

Submission:

Labcorp Genetics (formerly Invitae), Labcorp
Classification: Uncertain significance. Last evaluated: 2023-07-14. Review status: criteria provided, single submitter. Criteria: Invitae Variant Classification Sherloc (09022015). Collection method: clinical testing. Allele origin: germline.
Comment: In summary, the available evidence is currently insufficient to determine the role of this variant in disease. Therefore, it has been classified as a Variant of Uncertain Significance. Algorithms developed to predict the effect of sequence changes on RNA splicing suggest that this variant may create or strengthen a splice site. An algorithm developed to predict the effect of missense changes on protein structure and function (PolyPhen-2) suggests that this variant is likely to be disruptive. ClinVar contains an entry for this variant (Variation ID: 2086778). This variant has not been reported in the literature in individuals affected with GPR143-related conditions. This sequence change replaces alanine, which is neutral and non-polar, with valine, which is neutral and non-polar, at codon 219 of the GPR143 protein (p.Ala219Val). This variant is not present in population databases (gnomAD no frequency).

NM_000273.3(GPR143):c.656C>T (p.Ala219Val)

Gene: GPR143 (G protein-coupled receptor 143; minus strand). Cytogenetic location: Xp22.2.
Variant type: single nucleotide variant.
Coding change: c.656C>T on transcript NM_000273.3 (MANE Select); coding-DNA position 656, C replaced by T.
Protein change: p.Ala219Val; replaces alanine 219 with valine.
Molecular consequence: missense variant.
Genome position (GRCh38, 1-based): chrX:9,746,046, G>A on the plus strand (C>T on the coding strand, the complement: GPR143 is on the minus strand). VCF-style: chrX-9746046-G-A. GRCh37 (hg19) VCF-style: chrX-9714086-G-A.
Other names: short protein forms A219V.
Identifiers: ClinVar variation 2086778 (VCV002086778.4), dbSNP rs374482621, ClinGen allele CA326095415.